The following is an entry in ClinVar:

ClinVar aggregate classification (germline): Uncertain significance. Review status: criteria provided, multiple submitters, no conflicts (2 of 4 stars). 2 submissions from 2 submitters: Uncertain significance (2). Last evaluated 2022-08-27.

Conditions:
Primary ciliary dyskinesia. Also called: Ciliary dyskinesia. Identifiers: Orphanet 244, MedGen C0008780, MONDO:0016575, HP:0012265.
Primary ciliary dyskinesia 6. Also called: Primary Ciliary Dyskinesia 6: TXNDC3-Related Primary Ciliary Dyskinesia. Identifiers: Orphanet 244, MedGen C1970506, MONDO:0012571, OMIM 610852.

Allele frequency attached by ClinVar (database versions not stated): gnomAD exomes 0.00002; TOPMed 0.00002; ExAC 0.00003; gnomAD 0.00004.
gnomAD v4.1: 43 of 1,613,756 alleles (0.0027%); highest among the groups gnomAD compares: East Asian, 0.02%; no homozygotes.

Submissions (2):

Labcorp Genetics (formerly Invitae), Labcorp
Classification: Uncertain significance for Primary ciliary dyskinesia 6. Last evaluated: 2022-08-27. Review status: criteria provided, single submitter. Criteria: Invitae Variant Classification Sherloc (09022015). Collection method: clinical testing. Allele origin: germline.
Comment: Algorithms developed to predict the effect of missense changes on protein structure and function are either unavailable or do not agree on the potential impact of this missense change (SIFT: "Tolerated"; PolyPhen-2: "Probably Damaging"; Align-GVGD: "Class C0"). This variant has not been reported in the literature in individuals affected with NME8-related conditions. This variant is present in population databases (rs763297191, gnomAD 0.03%). In summary, the available evidence is currently insufficient to determine the role of this variant in disease. Therefore, it has been classified as a Variant of Uncertain Significance. This sequence change replaces arginine, which is basic and polar, with glutamine, which is neutral and polar, at codon 553 of the NME8 protein (p.Arg553Gln).

Ambry Genetics
Classification: Uncertain significance for Primary ciliary dyskinesia. Last evaluated: 2014-06-10. Review status: criteria provided, single submitter. Criteria: Ambry Variant Classification Scheme 2023. Collection method: clinical testing. Allele origin: germline.
Comment: The p.R553Q variant (also known as c.1658G>A), located in coding exon 15 of the TXNDC3 gene, results from a G to A substitution at nucleotide position 1658. The arginine at codon 553 is replaced by glutamine, an amino acid with some highly similar properties. This variant was not reported in population based cohorts in the following databases: Database of Single Nucleotide Polymorphisms (dbSNP), NHLBI Exome Sequencing Project (ESP), and 1000 Genomes Project. In the ESP, this variant was not observed in 6503 samples (13006 alleles) with coverage at this position. This amino acid position is completely conserved on sequence alignment. In addition, this alteration is predicted to be deleterious by in silico analysis. Since supporting evidence is limited at this time, the clinical significance of this variant remains unclear.

NM_016616.5(NME8):c.1658G>A (p.Arg553Gln)

Gene: NME8 (NME/NM23 family member 8; plus strand). Cytogenetic location: 7p14.1.
Variant type: single nucleotide variant.
Coding change: c.1658G>A on transcript NM_016616.5 (MANE Select); coding-DNA position 1658, G replaced by A.
Protein change: p.Arg553Gln; replaces arginine 553 with glutamine.
Molecular consequence: missense variant.
Genome position (GRCh38, 1-based): chr7:37,896,983, G>A. VCF-style: chr7-37896983-G-A. GRCh37 (hg19) VCF-style: chr7-37936585-G-A.
Other names: short protein forms R553Q.
Identifiers: ClinVar variation 1777400 (VCV001777400.7), dbSNP rs763297191, ClinGen allele CA4222590.